The following is an entry in ClinVar:

NM_000393.5(COL5A2):c.2008C>A (p.Pro670Thr)

Gene: COL5A2 (collagen type V alpha 2 chain; minus strand). Cytogenetic location: 2q32.2.
Variant type: single nucleotide variant.
Coding change: c.2008C>A on transcript NM_000393.5 (MANE Select); coding-DNA position 2008, C replaced by A.
Protein change: p.Pro670Thr; replaces proline 670 with threonine.
Molecular consequence: missense variant.
Genome position (GRCh38, 1-based): chr2:189,061,585, G>T on the plus strand (C>A on the coding strand, the complement: COL5A2 is on the minus strand). VCF-style: chr2-189061585-G-T. GRCh37 (hg19) VCF-style: chr2-189926311-G-T.
Other names: short protein forms P670T.
Identifiers: ClinVar variation 459731 (VCV000459731.17), dbSNP rs904166744, ClinGen allele CA62600803.

ClinVar aggregate classification (germline): Conflicting classifications of pathogenicity. Review status: criteria provided, conflicting classifications (1 of 4 stars). 6 submissions from 6 submitters: Uncertain significance (5); Likely benign (1). Last evaluated 2026-03-11.

Conditions:
Ehlers-Danlos syndrome, classic type, 1 (EDSCL1). Also called: Ehlers-Danlos syndrome, type 1; Ehlers-Danlos Syndrome, Classic Type, COL5A1-Related; EDS I; EHLERS-DANLOS SYNDROME, GRAVIS TYPE; EHLERS-DANLOS SYNDROME, SEVERE CLASSIC TYPE. Identifiers: MedGen C0268335, MONDO:0019567, OMIM 130000.
Ehlers-Danlos syndrome (EDS). Identifiers: Orphanet 98249, MedGen C0013720, MONDO:0020066.
Familial thoracic aortic aneurysm and aortic dissection (TAAD). Also called: Thoracic aortic aneurysms and dissections. Identifiers: Orphanet 91387, MedGen C4707243, MONDO:0019625.

Allele frequency attached by ClinVar (database versions not stated): TOPMed below 0.00001; gnomAD 0.00001; gnomAD exomes 0.00001.
gnomAD v4.1: 20 of 1,613,062 alleles (0.0012%); highest among the groups gnomAD compares: Middle Eastern, 0.033%; no homozygotes.

Submissions (6):

Ambry Genetics
Classification: Uncertain significance for Familial thoracic aortic aneurysm and aortic dissection. Last evaluated: 2026-03-11. Review status: criteria provided, single submitter. Criteria: Ambry Variant Classification Scheme 2023. Collection method: clinical testing. Allele origin: germline.
Comment: The p.P670T variant (also known as c.2008C>A), located in coding exon 30 of the COL5A2 gene, results from a C to A substitution at nucleotide position 2008. The proline at codon 670 is replaced by threonine, an amino acid with highly similar properties. This amino acid position is conserved. In addition, the in silico prediction for this alteration is inconclusive. Based on the available evidence, the clinical significance of this variant remains unclear.

Labcorp Genetics (formerly Invitae), Labcorp
Classification: Likely benign for Ehlers-Danlos syndrome, classic type, 1. Last evaluated: 2025-12-18. Review status: criteria provided, single submitter. Criteria: Invitae Variant Classification Sherloc (09022015). Collection method: clinical testing. Allele origin: germline.

Blueprint Genetics
Classification: Uncertain significance. Last evaluated: 2024-04-08. Review status: criteria provided, single submitter. Criteria: ACMG Guidelines, 2015. Collection method: clinical testing. Allele origin: germline.

Women's Health and Genetics/Laboratory Corporation of America, LabCorp
Classification: Uncertain significance. Last evaluated: 2024-03-06. Review status: criteria provided, single submitter. Criteria: LabCorp Variant Classification Summary - May 2015. Collection method: clinical testing. Allele origin: germline.
Comment: Variant summary: COL5A2 c.2008C>A (p.Pro670Thr) results in a non-conservative amino acid change located in the Collagen triple helix repeat (IPR008160) of the encoded protein sequence. Five of five in-silico tools predict a damaging effect of the variant on protein function. The variant allele was found at a frequency of 8e-06 in 251144 control chromosomes (2 heterozygotes). The available data on variant occurrences in the general population are insufficient to allow any conclusion about variant significance. To our knowledge, no occurrence of c.2008C>A in individuals affected with Ehlers-Danlos Syndrome and no experimental evidence demonstrating its impact on protein function have been reported. ClinVar contains an entry for this variant (Variation ID: 459731). Based on the evidence outlined above, the variant was classified as VUS-possibly benign.

GeneDx
Classification: Uncertain significance. Last evaluated: 2023-09-27. Review status: criteria provided, single submitter. Criteria: GeneDx Variant Classification Process June 2021. Collection method: clinical testing. Allele origin: germline. Affected: yes.
Comment: Not observed at significant frequency in large population cohorts (gnomAD); In silico analysis supports that this missense variant has a deleterious effect on protein structure/function; Has not been previously published as pathogenic or benign to our knowledge

Genome Diagnostics Laboratory, The Hospital for Sick Children
Classification: Uncertain significance for Ehlers-Danlos syndrome. Last evaluated: 2019-10-01. Review status: criteria provided, single submitter. Criteria: ACMG Guidelines, 2015. Collection method: clinical testing. Allele origin: germline.